The following is an entry in ClinVar:

ClinVar aggregate classification (germline): Likely benign. Review status: criteria provided, single submitter (1 of 4 stars). 2 submissions from 2 submitters: Likely benign (1). 1 of the submissions does not count toward it. Last evaluated 2026-01-11.

Conditions:
FANCL-related disorder. Also called: FANCL-related condition.
Fanconi anemia (FA). Also called: Fanconi's anemia. Identifiers: Orphanet 84, MedGen C0015625, MeSH D005199, MONDO:0019391.

Allele frequency attached by ClinVar (database versions not stated): TOPMed 0.00008; gnomAD 0.00010.
gnomAD v4.1: 28 of 1,612,954 alleles (0.0017%); highest among the groups gnomAD compares: Admixed American, 0.042%; no homozygotes.

Submissions (2):

Labcorp Genetics (formerly Invitae), Labcorp
Classification: Likely benign for Fanconi anemia. Last evaluated: 2026-01-11. Review status: criteria provided, single submitter. Criteria: Invitae Variant Classification Sherloc (09022015). Collection method: clinical testing. Allele origin: germline.

PreventionGenetics, part of Exact Sciences
Classification: Likely benign for FANCL-related condition. Last evaluated: 2023-12-01. Review status: no assertion criteria provided. Collection method: clinical testing. Allele origin: germline. Not counted in ClinVar's aggregate classification.
Comment: This variant is classified as likely benign based on ACMG/AMP sequence variant interpretation guidelines (Richards et al. 2015 PMID: 25741868, with internal and published modifications).

NM_018062.4(FANCL):c.846A>G (p.Gln282=)

Gene: FANCL (FA complementation group L; minus strand). Cytogenetic location: 2p16.1.
Variant type: single nucleotide variant.
Coding change: c.846A>G on transcript NM_018062.4 (MANE Select); coding-DNA position 846, A replaced by G.
Protein change: p.Gln282=; no amino-acid change (glutamine 282 retained).
Molecular consequence: synonymous variant.
Genome position (GRCh38, 1-based): chr2:58,162,923, T>C on the plus strand (A>G on the coding strand, the complement: FANCL is on the minus strand). VCF-style: chr2-58162923-T-C. GRCh37 (hg19) VCF-style: chr2-58390058-T-C.
Other names: c.861A>G, p.Gln287= (NM_001114636.2); c.891A>G, p.Gln297= (NM_001374615.1); c.906A>G, p.Gln302= (NM_001410792.1).
Identifiers: ClinVar variation 414858 (VCV000414858.14), dbSNP rs535158133, ClinGen allele CA1670417.